The following is an entry in ClinVar:

ClinVar aggregate classification (germline): Uncertain significance (1 of 4 stars; one submission).

Conditions:
Intellectual developmental disorder, autosomal dominant 55, with seizures. Also called: MENTAL RETARDATION, AUTOSOMAL DOMINANT 55, WITH SEIZURES; Intellectual disability, autosomal dominant 55, with seizures. Identifiers: MedGen C4693371, MONDO:0030921, OMIM 617831.

Allele frequency attached by ClinVar (database versions not stated): TOPMed 0.00001.

Submission:

Baylor Genetics
Classification: Uncertain significance for Intellectual developmental disorder, autosomal dominant 55, with seizures. Last evaluated: 2019-03-26. Review status: criteria provided, single submitter. Criteria: ACMG Guidelines, 2015. Collection method: clinical testing. Allele origin: unknown. Affected: yes.
Comment: This variant was determined to be of uncertain significance according to ACMG Guidelines, 2015 [PMID:25741868].

NM_138459.5(NUS1):c.250C>G (p.Arg84Gly)

Gene: NUS1 (NUS1 dehydrodolichyl diphosphate synthase subunit; plus strand). Cytogenetic location: 6q22.1.
Variant type: single nucleotide variant.
Coding change: c.250C>G on transcript NM_138459.5 (MANE Select); coding-DNA position 250, C replaced by G.
Protein change: p.Arg84Gly; replaces arginine 84 with glycine.
Molecular consequence: missense variant.
Genome position (GRCh38, 1-based): chr6:117,675,920, C>G. VCF-style: chr6-117675920-C-G. GRCh37 (hg19) VCF-style: chr6-117997083-C-G.
Other names: short protein forms R84G.
Identifiers: ClinVar variation 1029128 (VCV001029128.1), dbSNP rs750035599, ClinGen allele CA365536208.